The following is an entry in ClinVar:

NM_030962.4(SBF2):c.2054A>C (p.Tyr685Ser)

Genes: SBF2 (SET binding factor 2; minus strand), LOC101928008 (uncharacterized LOC101928008; plus strand). Cytogenetic location: 11p15.4.
Variant type: single nucleotide variant.
Coding change: c.2054A>C on transcript NM_030962.4 (MANE Select); coding-DNA position 2054, A replaced by C.
Protein change: p.Tyr685Ser; replaces tyrosine 685 with serine.
Molecular consequence: missense variant.
Genome position (GRCh38, 1-based): chr11:9,858,272, T>G on the plus strand (A>C on the coding strand, the complement: SBF2 is on the minus strand). VCF-style: chr11-9858272-T-G. GRCh37 (hg19) VCF-style: chr11-9879819-T-G.
Other names: c.2054A>C, p.Tyr685Ser (NM_001386339.1); c.1925A>C, p.Tyr642Ser (NM_001386342.1); short protein forms Y685S, Y642S.
Identifiers: ClinVar variation 1785107 (VCV001785107.2), dbSNP rs1857464225, ClinGen allele CA379641385.
Genomic context (GRCh38, chr11:9,858,272, plus strand): 5'-TTCTTCTCTCTTACCTTTTGCTTCAGATGCGGGGCATGATTGTCTTCCTTGGCTGAGAGA[T>G]AAAGGGAGCGAACCTGTTCCTGCACTGCATTGTAAAAGGTTGTCTCCCAAAATTGCTGAT-3'
Protein context (NP_112224.1, residues 675-695): NAVQEQVRSL[Tyr685Ser]LSAKEDNHAP

ClinVar aggregate classification (germline): Uncertain significance (1 of 4 stars; one submission).

Conditions:
Inborn genetic diseases. Identifiers: MedGen C0950123, MeSH D030342.

gnomAD v4.1: 1 of 1,614,166 alleles (0.000062%); highest among the groups gnomAD compares: Non-Finnish European, 0.000085%; no homozygotes.

Submission:

Ambry Genetics
Classification: Uncertain significance for Inborn genetic diseases. Last evaluated: 2021-02-17. Review status: criteria provided, single submitter. Criteria: Ambry Variant Classification Scheme 2023. Collection method: clinical testing. Allele origin: germline.
Comment: The p.Y685S variant (also known as c.2054A>C), located in coding exon 18 of the SBF2 gene, results from an A to C substitution at nucleotide position 2054. The tyrosine at codon 685 is replaced by serine, an amino acid with dissimilar properties. This amino acid position is highly conserved in available vertebrate species. In addition, this alteration is predicted to be deleterious by in silico analysis. Since supporting evidence is limited at this time, the clinical significance of this alteration remains unclear.